The following is an entry in ClinVar:

NM_018896.5(CACNA1G):c.4727T>C (p.Ile1576Thr)

Gene: CACNA1G (calcium voltage-gated channel subunit alpha1 G; plus strand). Cytogenetic location: 17q21.33.
Variant type: single nucleotide variant.
Coding change: c.4727T>C on transcript NM_018896.5 (MANE Select); coding-DNA position 4727, T replaced by C.
Protein change: p.Ile1576Thr; replaces isoleucine 1576 with threonine.
Molecular consequence: missense variant. On other transcripts: non-coding transcript variant (2), intron variant (17).
Genome position (GRCh38, 1-based): chr17:50,609,903, T>C. VCF-style: chr17-50609903-T-C. GRCh37 (hg19) VCF-style: chr17-48687264-T-C.
Other names: c.4748T>C, p.Ile1583Thr (NM_001256325.2); c.4727T>C, p.Ile1576Thr (NM_001256327.2, NM_001256333.2, NM_198384.3 and 1 more transcripts); c.4625T>C, p.Ile1542Thr (NM_001256329.2); c.4556T>C, p.Ile1519Thr (NM_001256332.2); c.4646T>C, p.Ile1549Thr (NM_001256359.2); c.4658T>C, p.Ile1553Thr (NM_198382.3, NM_198383.3); c.4726+1863T>C (NM_198377.3, NM_198380.3, NM_198378.3 and 1 more transcripts); c.4705+1884T>C (NM_001256324.2, NM_198386.3, NM_001256328.2); and 6 more; short protein forms I1519T, I1542T, I1549T, I1553T, I1576T, I1583T.
Identifiers: ClinVar variation 2504751 (VCV002504751.1), dbSNP rs2545610569, ClinGen allele CA400259746.

ClinVar aggregate classification (germline): Uncertain significance (1 of 4 stars; one submission).

Allele frequency attached by ClinVar (database versions not stated): gnomAD exomes below 0.00001.
gnomAD v4.1: 2 of 1,611,632 alleles (0.00012%); highest among the groups gnomAD compares: Non-Finnish European, 0.00017%; no homozygotes.

Submission:

GeneDx
Classification: Uncertain significance. Last evaluated: 2022-12-07. Review status: criteria provided, single submitter. Criteria: GeneDx Variant Classification Process June 2021. Collection method: clinical testing. Allele origin: germline. Affected: yes.
Comment: Not observed at significant frequency in large population cohorts (gnomAD); In silico analysis supports that this missense variant does not alter protein structure/function; Has not been previously published as pathogenic or benign to our knowledge